The following is an entry in ClinVar:

NM_002528.7(NTHL1):c.913T>C (p.Ter305Arg)

Gene: NTHL1 (nth like DNA glycosylase 1; minus strand). Cytogenetic location: 16p13.3.
Variant type: single nucleotide variant.
Coding change: c.913T>C on transcript NM_002528.7 (MANE Select); coding-DNA position 913, T replaced by C.
Protein change: p.Ter305Arg.
Molecular consequence: stop lost.
Genome position (GRCh38, 1-based): chr16:2,039,926, A>G on the plus strand (T>C on the coding strand, the complement: NTHL1 is on the minus strand). VCF-style: chr16-2039926-A-G. GRCh37 (hg19) VCF-style: chr16-2089927-A-G.
Other names: c.742T>C, p.Ter248Arg (NM_001318193.2); c.583T>C, p.Ter195Arg (NM_001318194.2); c.937T>C (NM_002528.5).
Identifiers: ClinVar variation 1376459 (VCV001376459.7), dbSNP rs778951506, ClinGen allele CA7828063.

ClinVar aggregate classification (germline): Uncertain significance. Review status: criteria provided, multiple submitters, no conflicts (2 of 4 stars). 2 submissions from 2 submitters: Uncertain significance (2). Last evaluated 2026-08-11.

Conditions:
Hereditary cancer-predisposing syndrome. Also called: Hereditary Cancer Syndrome; Neoplastic Syndromes, Hereditary; Hereditary neoplastic syndrome; Tumor predisposition. Identifiers: Orphanet 140162, MedGen C0027672, MeSH D009386, MONDO:0015356.

Allele frequency attached by ClinVar (database versions not stated): ExAC 0.00001; gnomAD exomes below 0.00001.
gnomAD v4.1: 1 of 1,601,832 alleles (0.000062%); highest among the groups gnomAD compares: Non-Finnish European, 0.000085%; no homozygotes.

Submissions (2):

Ambry Genetics
Classification: Uncertain significance for Hereditary cancer-predisposing syndrome. Last evaluated: 2026-08-11. Review status: criteria provided, single submitter. Criteria: Ambry Variant Classification Scheme 2023. Collection method: clinical testing. Allele origin: germline.
Comment: The p.*313Rext*37 variant (also known as c.937T>C), located in coding exon 6 of the NTHL1 gene, results from a T to C substitution at nucleotide position 937. This variant disrupts the stop codon and is predicted to preserve the native sequence while resulting in the elongation of the protein by 37 amino acids. The exact functional effect of the additional amino acids is unknown. Based on the available evidence, the clinical significance of this variant remains unclear.

Labcorp Genetics (formerly Invitae), Labcorp
Classification: Uncertain significance. Last evaluated: 2023-07-14. Review status: criteria provided, single submitter. Criteria: Invitae Variant Classification Sherloc (09022015). Collection method: clinical testing. Allele origin: germline.
Comment: This sequence change disrupts the translational stop signal of the NTHL1 mRNA. It is expected to extend the length of the NTHL1 protein by an uncertain number of additional amino acid residues. In summary, the available evidence is currently insufficient to determine the role of this variant in disease. Therefore, it has been classified as a Variant of Uncertain Significance. Experimental studies and prediction algorithms are not available or were not evaluated, and the functional significance of this variant is currently unknown. ClinVar contains an entry for this variant (Variation ID: 1376459). This variant has not been reported in the literature in individuals affected with NTHL1-related conditions. This variant is present in population databases (rs778951506, gnomAD 0.0009%).